The following is an entry in ClinVar:

NM_032043.3(BRIP1):c.1291del (p.Arg431fs)

Gene: BRIP1 (BRCA1 interacting DNA helicase 1; minus strand). Cytogenetic location: 17q23.2.
Variant type: Deletion.
Coding change: c.1291del on transcript NM_032043.3 (MANE Select); coding-DNA position 1291, one base deleted (A; older notation c.1291delA).
Protein change: p.Arg431fs; shifts the reading frame from arginine 431.
Molecular consequence: frameshift variant.
Genome position (GRCh38, 1-based): chr17:61,799,149, T deleted on the plus strand (A on the coding strand, the reverse complement: BRIP1 is on the minus strand); the first of 2 consecutive T bases (chr17:61,799,149-61,799,150); deleting either gives the same sequence. VCF-style (leftmost placement, unchanged base first): chr17-61799148-CT-C. GRCh37 (hg19) VCF-style: chr17-59876509-CT-C.
Other names: short protein forms R431fs.
Identifiers: ClinVar variation 2951300 (VCV002951300.3), dbSNP rs2545135432, ClinGen allele CA2740093896.

ClinVar aggregate classification (germline): Pathogenic (1 of 4 stars; one submission).

Conditions:
Familial cancer of breast. Also called: BREAST CANCER, FAMILIAL; hereditary breast carcinoma; Hereditary breast cancer. Identifiers: Orphanet 227535, MedGen C0346153, MONDO:0016419, OMIM 114480. Disease mechanism: loss of function.
Fanconi anemia complementation group J. Also called: BRIP1-Related Fanconi Anemia. Identifiers: Orphanet 84, MedGen C1836860, MONDO:0012187, OMIM 609054.

Submission:

Labcorp Genetics (formerly Invitae), Labcorp
Classification: Pathogenic for Familial cancer of breast; Fanconi anemia complementation group J. Last evaluated: 2023-08-27. Review status: criteria provided, single submitter. Criteria: Invitae Variant Classification Sherloc (09022015). Collection method: clinical testing. Allele origin: germline.
Comment: For these reasons, this variant has been classified as Pathogenic. This variant has not been reported in the literature in individuals affected with BRIP1-related conditions. This variant is not present in population databases (gnomAD no frequency). This sequence change creates a premature translational stop signal (p.Arg431Glyfs*19) in the BRIP1 gene. It is expected to result in an absent or disrupted protein product. Loss-of-function variants in BRIP1 are known to be pathogenic (PMID: 16116423, 17033622, 21964575).

Literature cited by the submitters: PubMed 16116423; PubMed 17033622; PubMed 21964575.